The following is an entry in ClinVar:

ClinVar aggregate classification (germline): Conflicting classifications of pathogenicity. Review status: criteria provided, conflicting classifications (1 of 4 stars). 4 submissions from 4 submitters: Uncertain significance (1); Likely benign (2). 1 of the submissions does not count toward it. Last evaluated 2026-01-18.

Conditions:
TFR2-related disorder. Also called: TFR2-related condition.
Hereditary hemochromatosis (HFE). Identifiers: MedGen C0392514, MONDO:0006507. Disease mechanism: loss of function.
Hemochromatosis type 3 (HFE3). Also called: HEMOCHROMATOSIS DUE TO DEFECT IN TRANSFERRIN RECEPTOR 2; TFR2-Related Hemochromatosis; Hereditary hemochromatosis type 3. Identifiers: Orphanet 225123, MedGen C1858664, MONDO:0011417, OMIM 604250.

Allele frequency attached by ClinVar (database versions not stated): gnomAD 0.00010 and 0.00011; TOPMed 0.00013; ESP Exome Variant Server 0.00015; gnomAD exomes 0.00015 and 0.00022; 1000 Genomes Project 30x 0.00016; 1000 Genomes Project 0.00020; ExAC 0.00021.
gnomAD v4.1: 332 of 1,614,098 alleles (0.021%); highest among the groups gnomAD compares: Non-Finnish European, 0.026%; 1 homozygote.

Submissions (4):

Labcorp Genetics (formerly Invitae), Labcorp
Classification: Likely benign for Hereditary hemochromatosis. Last evaluated: 2026-01-18. Review status: criteria provided, single submitter. Criteria: Invitae Variant Classification Sherloc (09022015). Collection method: clinical testing. Allele origin: germline.

Blueprint Genetics
Classification: Likely benign. Last evaluated: 2024-08-09. Review status: criteria provided, single submitter. Criteria: ACMG Guidelines, 2015. Collection method: clinical testing. Allele origin: germline.

Illumina Laboratory Services, Illumina
Classification: Uncertain significance for Hemochromatosis type 3. Last evaluated: 2017-08-19. Review status: criteria provided, single submitter. Criteria: ICSL Variant Classification Criteria 13 December 2019. Collection method: clinical testing. Allele origin: germline.
Comment: This variant was observed as part of a predisposition screen in an ostensibly healthy population. A literature search was performed for the gene, cDNA change, and amino acid change (where applicable). Publications were found based on this search. However, the evidence from the literature, in combination with allele frequency data from public databases where available, was not sufficient to rule this variant in or out of causing disease. Therefore, this variant is classified as a variant of unknown significance.

PreventionGenetics, part of Exact Sciences
Classification: Likely benign for TFR2-related condition. Last evaluated: 2019-08-07. Review status: no assertion criteria provided. Collection method: clinical testing. Allele origin: germline. Not counted in ClinVar's aggregate classification.
Comment: This variant is classified as likely benign based on ACMG/AMP sequence variant interpretation guidelines (Richards et al. 2015 PMID: 25741868, with internal and published modifications).

Literature cited by the submitters: PubMed 23556518 (cited by Illumina Laboratory Services, Illumina); PubMed 24055163 (cited by Illumina Laboratory Services, Illumina).

NM_003227.4(TFR2):c.1620C>T (p.Asn540=)

Gene: TFR2 (transferrin receptor 2; minus strand). Cytogenetic location: 7q22.1.
Variant type: single nucleotide variant.
Coding change: c.1620C>T on transcript NM_003227.4 (MANE Select); coding-DNA position 1620, C replaced by T.
Protein change: p.Asn540=; no amino-acid change (asparagine 540 retained).
Molecular consequence: synonymous variant.
Genome position (GRCh38, 1-based): chr7:100,627,806, G>A on the plus strand (C>T on the coding strand, the complement: TFR2 is on the minus strand). VCF-style: chr7-100627806-G-A. GRCh37 (hg19) VCF-style: chr7-100225429-G-A.
Other names: c.1107C>T, p.Asn369= (NM_001206855.3).
Identifiers: ClinVar variation 695828 (VCV000695828.17), dbSNP rs199600701, ClinGen allele CA4386342.